The following is an entry in ClinVar:

ClinVar aggregate classification (germline): Uncertain significance (1 of 4 stars; one submission).

Allele frequency attached by ClinVar (database versions not stated): gnomAD exomes 0.00002; gnomAD 0.00004; TOPMed 0.00002.

Submission:

Labcorp Genetics (formerly Invitae), Labcorp
Classification: Uncertain significance. Last evaluated: 2022-11-08. Review status: criteria provided, single submitter. Criteria: Invitae Variant Classification Sherloc (09022015). Collection method: clinical testing. Allele origin: germline.
Comment: This variant has not been reported in the literature in individuals affected with CEACAM16-related conditions. In summary, the available evidence is currently insufficient to determine the role of this variant in disease. Therefore, it has been classified as a Variant of Uncertain Significance. Advanced modeling of protein sequence and biophysical properties (such as structural, functional, and spatial information, amino acid conservation, physicochemical variation, residue mobility, and thermodynamic stability) performed at Invitae indicates that this missense variant is not expected to disrupt CEACAM16 protein function. This variant is present in population databases (rs749658138, gnomAD 0.03%). This sequence change replaces arginine, which is basic and polar, with cysteine, which is neutral and slightly polar, at codon 211 of the CEACAM16 protein (p.Arg211Cys).

NM_001039213.4(CEACAM16):c.631C>T (p.Arg211Cys)

Genes: CEACAM16 (CEA cell adhesion molecule 16, tectorial membrane component; plus strand), CEACAM16-AS1 (CEACAM16, CEACAM19 and PVR antisense RNA 1; minus strand). Cytogenetic location: 19q13.32.
Variant type: single nucleotide variant.
Coding change: c.631C>T on transcript NM_001039213.4 (MANE Select); coding-DNA position 631, C replaced by T.
Protein change: p.Arg211Cys; replaces arginine 211 with cysteine.
Molecular consequence: missense variant.
Genome position (GRCh38, 1-based): chr19:44,704,266, C>T. VCF-style: chr19-44704266-C-T. GRCh37 (hg19) VCF-style: chr19-45207536-C-T.
Other names: short protein forms R211C.
Identifiers: ClinVar variation 2075162 (VCV002075162.4), dbSNP rs749658138, ClinGen allele CA9503110.
Genomic context (GRCh38, chr19:44,704,266, plus strand): 5'-ATCCGCCGGGAGGAGGCCGGCGCCTATCAGTGTGAGGTGTGGAACCCGGTCAGTGTCAGC[C>T]GCAGCGAGCCCATCAACCTGACCGTGTACTGTGAGTCCTCCTGGCCCCACTGGAGATACC-3'
Protein context (NP_001034302.2, residues 201-221): CEVWNPVSVS[Arg211Cys]SEPINLTVYF